The following is an entry in ClinVar:

ClinVar aggregate classification (germline): Likely pathogenic. Review status: criteria provided, multiple submitters, no conflicts (2 of 4 stars). 5 submissions from 5 submitters: Likely pathogenic (4). 1 of the submissions does not count toward it. Last evaluated 2025-10-20.

Conditions:
Spongy degeneration of central nervous system. Also called: Canavan disease; Von Bogaert-Bertrand disease; ACY2 DEFICIENCY; AMINOACYLASE 2 DEFICIENCY; ASP DEFICIENCY; ASPA DEFICIENCY. Identifiers: Orphanet 141, MedGen C0206307, MONDO:0010079, OMIM 271900.

Allele frequency attached by ClinVar (database versions not stated): gnomAD exomes below 0.00001; ExAC 0.00001.
gnomAD v4.1: 1 of 1,579,268 alleles (0.000063%); highest among the groups gnomAD compares: Non-Finnish European, 0.000087%; no homozygotes.

Submissions (5):

Natera, Inc.
Classification: Likely pathogenic for Canavan Disease. Last evaluated: 2025-10-20. Review status: criteria provided, single submitter. Criteria: Natera Variant Classification Schema (03/2026). Collection method: clinical testing. Allele origin: germline.
Comment: The c.527-2A>C variant in ASPA is a canonical splice acceptor site variant predicted to affect pre-mRNA splicing, which may result in an abnormal transcript and altered protein product. This variant is expected to result in nonsense mediated decay, truncation, or a dysfunctional protein product. This variant is rare in the general population with a frequency below the threshold expected for the associated phenotype(s). Given the available evidence, this variant is classified as Likely Pathogenic.

Labcorp Genetics (formerly Invitae), Labcorp
Classification: Likely pathogenic for Spongy degeneration of central nervous system. Last evaluated: 2023-10-04. Review status: criteria provided, single submitter. Criteria: Invitae Variant Classification Sherloc (09022015). Collection method: clinical testing. Allele origin: germline.
Comment: This sequence change affects an acceptor splice site in intron 3 of the ASPA gene. It is expected to disrupt RNA splicing. Variants that disrupt the donor or acceptor splice site typically lead to a loss of protein function (PMID: 16199547), and loss-of-function variants in ASPA are known to be pathogenic (PMID: 12638939). This variant is present in population databases (rs778385612, gnomAD 0.0009%). This variant has not been reported in the literature in individuals affected with ASPA-related conditions. ClinVar contains an entry for this variant (Variation ID: 550715). Algorithms developed to predict the effect of sequence changes on RNA splicing suggest that this variant may disrupt the consensus splice site. In summary, the currently available evidence indicates that the variant is pathogenic, but additional data are needed to prove that conclusively. Therefore, this variant has been classified as Likely Pathogenic.

Fulgent Genetics
Classification: Likely pathogenic for Spongy degeneration of central nervous system. Last evaluated: 2022-01-18. Review status: criteria provided, single submitter. Criteria: ACMG Guidelines, 2015. Collection method: clinical testing. Allele origin: unknown.

Revvity Omics, Revvity
Classification: Likely pathogenic for Spongy degeneration of central nervous system. Last evaluated: 2021-10-05. Review status: criteria provided, single submitter. Criteria: ACMG Guidelines, 2015. Collection method: clinical testing. Allele origin: germline.

Counsyl
Classification: Likely pathogenic for Spongy degeneration of central nervous system. Last evaluated: 2017-02-09. Review status: no assertion criteria provided. Collection method: clinical testing. Allele origin: unknown. Not counted in ClinVar's aggregate classification.

Literature cited by the submitters: PubMed 16199547 (cited by Labcorp Genetics (formerly Invitae), Labcorp); PubMed 12638939 (cited by Labcorp Genetics (formerly Invitae), Labcorp).

NM_000049.4(ASPA):c.527-2A>C

Genes: ASPA (aspartoacylase; plus strand), SPATA22 (spermatogenesis associated 22; minus strand). Cytogenetic location: 17p13.2.
Variant type: single nucleotide variant.
Coding change: c.527-2A>C on transcript NM_000049.4 (MANE Select); the canonical splice acceptor site of the intron before coding-DNA position 527, A replaced by C.
Molecular consequence: splice acceptor variant. On other transcripts: intron variant (2).
Genome position (GRCh38, 1-based): chr17:3,489,233, A>C. VCF-style: chr17-3489233-A-C. GRCh37 (hg19) VCF-style: chr17-3392527-A-C.
Other names: c.-73-19835T>G (NM_001321336.2, NM_001321337.2); c.527-2A>C (NM_001128085.1).
Identifiers: ClinVar variation 550715 (VCV000550715.12), dbSNP rs778385612, ClinGen allele CA8288966.